The following is an entry in ClinVar:

NM_005138.3(SCO2):c.377T>C (p.Met126Thr)

Genes: NCAPH2 (non-SMC condensin II complex subunit H2; plus strand), SCO2 (synthesis of cytochrome C oxidase 2; minus strand). Cytogenetic location: 22q13.33.
Variant type: single nucleotide variant.
Coding change: c.377T>C on transcript NM_005138.3 (MANE Select); coding-DNA position 377, T replaced by C.
Protein change: p.Met126Thr; replaces methionine 126 with threonine.
Molecular consequence: missense variant. On other transcripts: 3 prime UTR variant (2).
Genome position (GRCh38, 1-based): chr22:50,524,035, A>G on the plus strand (T>C on the coding strand, the complement: SCO2 is on the minus strand). VCF-style: chr22-50524035-A-G. GRCh37 (hg19) VCF-style: chr22-50962464-A-G.
Other names: c.*660A>G (NM_001185011.2, NM_152299.4); c.377T>C, p.Met126Thr (NM_001169109.2, NM_001169110.1, NM_001169111.2); short protein forms M126T.
Identifiers: ClinVar variation 1311662 (VCV001311662.2), dbSNP rs778847383, ClinGen allele CA10321220.

ClinVar aggregate classification (germline): Uncertain significance (1 of 4 stars; one submission).

Allele frequency attached by ClinVar (database versions not stated): gnomAD exomes below 0.00001 and 0.00001; ExAC 0.00001; gnomAD 0.00001; TOPMed 0.00001.
gnomAD v4.1: 11 of 1,613,390 alleles (0.00068%); highest among the groups gnomAD compares: African/African-American, 0.0013%; no homozygotes.

Submission:

GeneDx
Classification: Uncertain significance. Last evaluated: 2020-02-13. Review status: criteria provided, single submitter. Criteria: GeneDx Variant Classification Process June 2021. Collection method: clinical testing. Allele origin: germline. Affected: yes.
Comment: Not observed at a significant frequency in large population cohorts (Lek et al., 2016); In silico analysis supports that this missense variant does not alter protein structure/function; Has not been previously published as pathogenic or benign to our knowledge